The following is an entry in ClinVar:

NM_000059.4(BRCA2):c.9256+1G>A

Gene: BRCA2 (BRCA2 DNA repair associated; plus strand). Cytogenetic location: 13q13.1.
Variant type: single nucleotide variant.
Coding change: c.9256+1G>A on transcript NM_000059.4 (MANE Select); the canonical splice donor site of the intron after coding-DNA position 9256, G replaced by A.
Molecular consequence: splice donor variant.
Genome position (GRCh38, 1-based): chr13:32,380,146, G>A. VCF-style: chr13-32380146-G-A. GRCh37 (hg19) VCF-style: chr13-32954283-G-A.
Other names: IVS24+1G>A; c.9205+1G>A (NM_001406720.1); c.9160+1G>A (NM_001406719.1); c.4324+1G>A (NM_001406721.1); c.2839+1G>A (NM_001406722.1).
Identifiers: ClinVar variation 52787 (VCV000052787.25), dbSNP rs81002883, ClinGen allele CA026057.

ClinVar aggregate classification (germline): Pathogenic/Likely pathogenic. Review status: criteria provided, multiple submitters, no conflicts (2 of 4 stars). 8 submissions from 8 submitters: Pathogenic (4); Likely pathogenic (1). 3 of the submissions do not count toward it. Last evaluated 2026-09-08.

Conditions:
BRCA2-related disorder. Also called: BRCA2-related condition; BRCA2-related disorders. Identifiers: MedGen CN239275.
Hereditary cancer-predisposing syndrome. Also called: Neoplastic Syndromes, Hereditary; Tumor predisposition; Hereditary Cancer Syndrome; Hereditary neoplastic syndrome. Identifiers: Orphanet 140162, MedGen C0027672, MeSH D009386, MONDO:0015356.
Hereditary breast ovarian cancer syndrome. Also called: Breast and ovarian cancer; BRCA1- and BRCA2-Associated Hereditary Breast and Ovarian Cancer; Hereditary breast and ovarian cancer syndrome; Hereditary breast and/or ovarian cancer syndrome; Hereditary breast and ovarian cancer syndrome (HBOC); Hereditary breast and ovarian cancer. Identifiers: Orphanet 145, MedGen C0677776, MeSH D061325, MONDO:0003582. Disease mechanism: loss of function.
Breast-ovarian cancer, familial, susceptibility to, 2 (BROVCA2). Also called: BRCA2 Hereditary Breast and Ovarian Cancer. Identifiers: Orphanet 145, MedGen C2675520, MONDO:0012933, OMIM 612555. Disease mechanism: loss of function.

Allele frequency attached by ClinVar (database versions not stated): gnomAD exomes below 0.00001.
gnomAD v4.1: 1 of 1,611,236 alleles (0.000062%); highest among the groups gnomAD compares: Non-Finnish European, 0.000085%; no homozygotes.

Submissions (8):

GeneDx
Classification: Likely pathogenic. Last evaluated: 2026-09-08. Review status: criteria provided, single submitter. Criteria: GeneDx Variant Classification Process June 2021. Collection method: clinical testing. Allele origin: germline.
Comment: Not observed at significant frequency in large population cohorts (gnomAD); Also known as 9484+1G>A; This variant is associated with the following publications: (PMID: 29446198, 25525159, 25382762, 32398771, 22632462, 30078507, 12759930, 15026808, 31742824, 41826624)

Ambry Genetics
Classification: Pathogenic for Hereditary cancer-predisposing syndrome. Last evaluated: 2025-11-25. Review status: criteria provided, single submitter. Criteria: Ambry Variant Classification Scheme 2023. Collection method: clinical testing. Allele origin: germline.
Comment: The c.9256+1G>A intronic pathogenic mutation results from a G to A substitution one nucleotide after coding exon 23 of the BRCA2 gene. This alteration was classified in one study as a class 4 or 5 alteration based on a multifactorial 5-tier system using both bioinformatics information and splicing assay information reviewed in the literature (Walker LC et al. Hum. Mutat. 2013 Oct;34(10):1424-31). Two saturation genome editing-based studies, including a haploid cell-survival assay and a humanized mouse embryonic stem cell line assay of drug response and survival, demonstrate that this nucleotide substitution is non-functional (Huang H et al. Nature. 2025 Feb;638(8050):528-537; Sahu S et al. Nature. 2025 Feb;638(8050):538-545). This nucleotide position is highly conserved in available vertebrate species. In silico splice site analysis predicts that this alteration will weaken the native splice donor site. RNA studies have shown that this alteration leads to skipping of coding exon 23, leading to a frameshift and premature stop codon (Ambry internal data; Claes K et al. Genes Chromosomes Cancer 2003 Jul;37(3):314-20; Acedo A et al. Hum. Mutat. 2015 Feb;36(2):210-21). This variant is considered to be rare based on population cohorts in the Genome Aggregation Database (gnomAD). As such, this alteration is classified as a disease-causing mutation.

Women's Health and Genetics/Laboratory Corporation of America, LabCorp
Classification: Pathogenic for Hereditary breast ovarian cancer syndrome. Last evaluated: 2025-10-30. Review status: criteria provided, single submitter. Criteria: LabCorp Variant Classification Summary - May 2015. Collection method: clinical testing. Allele origin: germline.
Comment: Variant summary: BRCA2 c.9256+1G>A is located in a canonical splice-site and is predicted to affect mRNA splicing resulting in a significantly altered protein due to either exon skipping, shortening, or inclusion of intronic material. Variants that disrupt the consensus splice site are a relatively common cause of aberrant splicing and loss of BRCA2 function. Computational tools predict a significant impact on normal splicing: Three predict the variant abolishes a canonical 5' splicing donor site. At least one publication reports experimental evidence that this variant affects mRNA splicing (Claes_2003). The variant was absent in 250264 control chromosomes (gnomAD). c.9256+1G>A has been observed in individuals affected with Hereditary Breast And Ovarian Cancer Syndrome (e.g., Claes_2003, Li_2018). The following publications have been ascertained in the context of this evaluation (PMID: 12759930, 30078507). ClinVar contains an entry for this variant (Variation ID: 52787). Based on the evidence outlined above, the variant was classified as pathogenic.

Labcorp Genetics (formerly Invitae), Labcorp
Classification: Pathogenic for Hereditary breast ovarian cancer syndrome. Last evaluated: 2025-06-29. Review status: criteria provided, single submitter. Criteria: Invitae Variant Classification Sherloc (09022015). Collection method: clinical testing. Allele origin: germline.
Comment: This sequence change affects a donor splice site in intron 24 of the BRCA2 gene. RNA analysis indicates that disruption of this splice site induces altered splicing and may result in an absent or altered protein product. This variant is not present in population databases (gnomAD no frequency). Disruption of this splice site has been observed in individual(s) with breast and prostate cancer (PMID: 12759930). It has also been observed to segregate with disease in related individuals. This variant is also known as IVS24+1G>A. ClinVar contains an entry for this variant (Variation ID: 52787). Studies have shown that disruption of this splice site results in skipping of exon 24, and produces a non-functional protein and/or introduces a premature termination codon (PMID: 12759930, 22632462, 25382762). For these reasons, this variant has been classified as Pathogenic.

Consortium of Investigators of Modifiers of BRCA1/2 (CIMBA), c/o University of Cambridge
Classification: Pathogenic for Breast-ovarian cancer, familial, susceptibility to, 2. Last evaluated: 2015-10-02. Review status: criteria provided, single submitter. Criteria: CIMBA Mutation Classification guidelines May 2016. Collection method: clinical testing. Allele origin: germline.

PreventionGenetics, part of Exact Sciences
Classification: Pathogenic for BRCA2-related condition. Last evaluated: 2024-04-26. Review status: no assertion criteria provided. Collection method: clinical testing. Allele origin: germline. Not counted in ClinVar's aggregate classification.
Comment: The BRCA2 c.9256+1G>A variant is predicted to disrupt the GT donor site and interfere with normal splicing. This variant, also known as IVS24+1G>A, has been reported in multiple individuals with breast and/or ovarian cancer (Table 1, Claes et al. 2003. PubMed ID: 12759930; Table S1, Rebbeck et al. 2018. PubMed ID: 29446198). RT-PCR studies suggest this variant impacts mRNA splicing leading to exon 24 skipping (Figure 1, Acedo et al. 2012. PubMed ID: 22632462; Figure 3, Mesman et al. 2020. PubMed ID: 32398771). This variant has not been reported in a large population database, indicating this variant is rare. This variant is interpreted as pathogenic or likely pathogenic in ClinVar. Variants that disrupt the consensus splice donor site in BRCA2 are expected to be pathogenic. This variant is interpreted as pathogenic.

Counsyl
Classification: Likely pathogenic for Breast-ovarian cancer, familial, susceptibility to, 2. Last evaluated: 2018-04-26. Review status: no assertion criteria provided. Collection method: clinical testing. Allele origin: unknown. Not counted in ClinVar's aggregate classification.

Breast Cancer Information Core (BIC) (BRCA2)
Classification: Pathogenic for Breast-ovarian cancer, familial 2. Last evaluated: 2002-05-29. Review status: no assertion criteria provided. Collection method: clinical testing. Allele origin: germline. Affected: yes. Observed: 5 variant alleles. Not counted in ClinVar's aggregate classification.

Literature cited by the submitters: PubMed 12759930 (cited by 3 submitters); PubMed 30078507 (cited by Women's Health and Genetics/Laboratory Corporation of America, LabCorp); PubMed 22632462 (cited by Labcorp Genetics (formerly Invitae), Labcorp and Counsyl); PubMed 25382762 (cited by Labcorp Genetics (formerly Invitae), Labcorp); PubMed 23893897 (cited by Counsyl).